The following is an entry in ClinVar:

ClinVar aggregate classification (germline): Uncertain significance (1 of 4 stars; one submission).

Allele frequency attached by ClinVar (database versions not stated): TOPMed below 0.00001.
gnomAD v4.1: 3 of 1,604,002 alleles (0.00019%); highest among the groups gnomAD compares: Middle Eastern, 0.017%; no homozygotes.

Submission:

GeneDx
Classification: Uncertain significance. Last evaluated: 2023-01-06. Review status: criteria provided, single submitter. Criteria: GeneDx Variant Classification Process June 2021. Collection method: clinical testing. Allele origin: germline. Affected: yes.
Comment: Not observed at significant frequency in large population cohorts (gnomAD); In silico analysis supports that this missense variant does not alter protein structure/function; Has not been previously published as pathogenic or benign to our knowledge

NM_000384.3(APOB):c.4658G>A (p.Gly1553Asp)

Gene: APOB (apolipoprotein B; minus strand). Cytogenetic location: 2p24.1.
Variant type: single nucleotide variant.
Coding change: c.4658G>A on transcript NM_000384.3 (MANE Select); coding-DNA position 4658, G replaced by A.
Protein change: p.Gly1553Asp; replaces glycine 1553 with aspartic acid.
Molecular consequence: missense variant.
Genome position (GRCh38, 1-based): chr2:21,012,210, C>T on the plus strand (G>A on the coding strand, the complement: APOB is on the minus strand). VCF-style: chr2-21012210-C-T. GRCh37 (hg19) VCF-style: chr2-21235082-C-T.
Other names: short protein forms G1553D.
Identifiers: ClinVar variation 918839 (VCV000918839.4), dbSNP rs1663344384, ClinGen allele CA346006415.